The following is an entry in ClinVar:

ClinVar aggregate classification (germline): Uncertain significance (1 of 4 stars; one submission).

Conditions:
Hereditary nonpolyposis colorectal neoplasms. Identifiers: MedGen C0009405, MeSH D003123.

Submission:

Labcorp Genetics (formerly Invitae), Labcorp
Classification: Uncertain significance for Hereditary nonpolyposis colorectal neoplasms. Last evaluated: 2022-05-22. Review status: criteria provided, single submitter. Criteria: Invitae Variant Classification Sherloc (09022015). Collection method: clinical testing. Allele origin: germline.
Comment: In summary, the available evidence is currently insufficient to determine the role of this variant in disease. Therefore, it has been classified as a Variant of Uncertain Significance. Advanced modeling of protein sequence and biophysical properties (such as structural, functional, and spatial information, amino acid conservation, physicochemical variation, residue mobility, and thermodynamic stability) performed at Invitae indicates that this missense variant is expected to disrupt MSH6 protein function. This variant has not been reported in the literature in individuals affected with MSH6-related conditions. This variant is not present in population databases (gnomAD no frequency). This sequence change replaces aspartic acid, which is acidic and polar, with histidine, which is basic and polar, at codon 1031 of the MSH6 protein (p.Asp1031His).

NM_000179.3(MSH6):c.3091G>C (p.Asp1031His)

Gene: MSH6 (mutS homolog 6; plus strand). Cytogenetic location: 2p16.3.
Variant type: single nucleotide variant.
Coding change: c.3091G>C on transcript NM_000179.3 (MANE Select); coding-DNA position 3091, G replaced by C.
Protein change: p.Asp1031His; replaces aspartic acid 1031 with histidine.
Molecular consequence: missense variant.
Genome position (GRCh38, 1-based): chr2:47,801,074, G>C. VCF-style: chr2-47801074-G-C. GRCh37 (hg19) VCF-style: chr2-48028213-G-C.
Other names: c.2794G>C, p.Asp932His (NM_001406797.1, NM_001406801.1, NM_001406805.1 and 10 more transcripts); c.3091G>C, p.Asp1031His (NM_001406798.1, NM_001406800.1, NM_001406796.1 and 2 more transcripts); c.2566G>C, p.Asp856His (NM_001406799.1, NM_001406806.1, NM_001406807.1); c.3187G>C, p.Asp1063His (NM_001406802.1, NM_001406795.1); c.3013G>C, p.Asp1005His (NM_001406804.1); c.2185G>C, p.Asp729His (NM_001406823.1, NM_001281493.2, NM_001281494.2 and 6 more transcripts); c.2923G>C, p.Asp975His (NM_001406826.1); c.2701G>C, p.Asp901His (NM_001281492.2); and 2 more; short protein forms D1005H, D1033H, D856H, D901H, D1063H, D1031H, D729H, D346H.
Identifiers: ClinVar variation 1997801 (VCV001997801.4), dbSNP rs2104439684, ClinGen allele CA346756583.
Genomic context (GRCh38, chr2:47,801,074, plus strand): 5'-ATTGAAAAGAAGTTGGCTAATCTCATAAATGCTGAAGAACGGAGGGATGTATCATTGAAG[G>C]ACTGCATGCGGCGACTGTTCTATAACTTTGATAAAAATTACAAGGACTGGCAGTCTGCTG-3'
Protein context (NP_000170.1, residues 1021-1041): AEERRDVSLK[Asp1031His]CMRRLFYNFD